The following is an entry in ClinVar:

NM_019594.4(LRRC8A):c.926G>A (p.Arg309His)

Gene: LRRC8A (leucine rich repeat containing 8 VRAC subunit A; plus strand). Cytogenetic location: 9q34.11.
Variant type: single nucleotide variant.
Coding change: c.926G>A on transcript NM_019594.4 (MANE Select); coding-DNA position 926, G replaced by A.
Protein change: p.Arg309His; replaces arginine 309 with histidine.
Molecular consequence: missense variant.
Genome position (GRCh38, 1-based): chr9:128,908,090, G>A. VCF-style: chr9-128908090-G-A. GRCh37 (hg19) VCF-style: chr9-131670369-G-A.
Other names: c.926G>A, p.Arg309His (NM_001127244.2, NM_001127245.2); short protein forms R309H.
Identifiers: ClinVar variation 1400858 (VCV001400858.6), dbSNP rs767542501, ClinGen allele CA5270804.

ClinVar aggregate classification (germline): Uncertain significance (1 of 4 stars; one submission).

Allele frequency attached by ClinVar (database versions not stated): gnomAD exomes 0.00003 and 0.00011; ExAC 0.00004; gnomAD 0.00007 and 0.00008; TOPMed 0.00008.

Submission:

Labcorp Genetics (formerly Invitae), Labcorp
Classification: Uncertain significance. Last evaluated: 2026-01-26. Review status: criteria provided, single submitter. Criteria: Invitae Variant Classification Sherloc (09022015). Collection method: clinical testing. Allele origin: germline.
Comment: This sequence change replaces arginine, which is basic and polar, with histidine, which is basic and polar, at codon 309 of the LRRC8A protein (p.Arg309His). This variant is present in population databases (rs767542501, gnomAD 0.07%), and has an allele count higher than expected for a pathogenic variant. This variant has not been reported in the literature in individuals affected with LRRC8A-related conditions. ClinVar contains an entry for this variant (Variation ID: 1400858). An algorithm developed to predict the effect of missense changes on protein structure and function (PolyPhen-2) suggests that this variant is likely to be tolerated. In summary, the available evidence is currently insufficient to determine the role of this variant in disease. Therefore, it has been classified as a Variant of Uncertain Significance.